The following is an entry in ClinVar:

ClinVar aggregate classification (germline): Uncertain significance (1 of 4 stars; one submission).

Conditions:
Long QT syndrome (LQTS). Identifiers: MedGen C0023976, MeSH D008133, MONDO:0002442. Disease mechanism: loss of function. Inheritance: Various modes of inheritance.

Submission:

Labcorp Genetics (formerly Invitae), Labcorp
Classification: Uncertain significance for Long QT syndrome. Last evaluated: 2023-02-03. Review status: criteria provided, single submitter. Criteria: Invitae Variant Classification Sherloc (09022015). Collection method: clinical testing. Allele origin: unknown.
Comment: In summary, the available evidence is currently insufficient to determine the role of this variant in disease. Therefore, it has been classified as a Variant of Uncertain Significance. Experimental studies and prediction algorithms are not available or were not evaluated, and the functional significance of this variant is currently unknown. This variant has not been reported in the literature in individuals affected with KCNH2-related conditions. This variant is a gross deletion of the genomic region encompassing exon(s) 15 of the KCNH2 gene, which includes the termination codon. This deletion extends beyond the assayed region for this gene and therefore may encompass additional genes. While this deletion is not anticipated to lead to nonsense mediated decay, it is expected to alter mRNA translation or result in a truncated protein product.

NC_000007.13:g.(?_150642453)_(150642622_?)del

Gene: KCNH2 (potassium voltage-gated channel subfamily H member 2; minus strand). Cytogenetic location: 7q36.1.
Variant type: Deletion.
Identifiers: ClinVar variation 3245696 (VCV003245696.1).